The following is an entry in ClinVar:

NM_000352.6(ABCC8):c.2151C>A (p.Cys717Ter)

Gene: ABCC8 (ATP binding cassette subfamily C member 8; minus strand). Cytogenetic location: 11p15.1.
Variant type: single nucleotide variant.
Coding change: c.2151C>A on transcript NM_000352.6 (MANE Select); coding-DNA position 2151, C replaced by A.
Protein change: p.Cys717Ter; replaces cysteine 717 with a stop codon.
Molecular consequence: nonsense. On other transcripts: non-coding transcript variant (1).
Genome position (GRCh38, 1-based): chr11:17,427,120, G>T on the plus strand (C>A on the coding strand, the complement: ABCC8 is on the minus strand). VCF-style: chr11-17427120-G-T. GRCh37 (hg19) VCF-style: chr11-17448667-G-T.
Other names: NM_001287174.3:c.2151C>A; c.2151C>A, p.Cys717Ter (NM_001287174.3); c.2217C>A, p.Cys739Ter (NM_001351295.2); c.2148C>A, p.Cys716Ter (NM_001351296.2, NM_001351297.2); short protein forms C716*, C717*, C739*.
Identifiers: ClinVar variation 2576210 (VCV002576210.1), dbSNP rs776027296, ClinGen allele CA5903289.

ClinVar aggregate classification (germline): Pathogenic (1 of 4 stars; one submission).

Conditions:
Hyperinsulinemic hypoglycemia, familial, 1 (HHF1). Also called: HYPERINSULINISM, FAMILIAL, WITH PANCREATIC NESIDIOBLASTOSIS; HYPOGLYCEMIA, HYPERINSULINEMIC, OF INFANCY; Persistent Hyperinsulinemia Hypoglycemia of Infancy; NESIDIOBLASTOSIS OF PANCREAS; Persistent hyperinsulinemic hypoglycemia of infancy. Identifiers: Orphanet 276575, Orphanet 276598, MedGen C2931832, MONDO:0009734, OMIM 256450.

Allele frequency attached by ClinVar (database versions not stated): ExAC 0.00001.
gnomAD v4.1: 1 of 1,613,556 alleles (0.000062%); highest among the groups gnomAD compares: Admixed American, 0.0017%; no homozygotes.

Submission:

Broad Center for Mendelian Genomics, Broad Institute of MIT and Harvard
Classification: Pathogenic for Hyperinsulinemic hypoglycemia, familial, 1. Last evaluated: 2023-08-16. Review status: criteria provided, single submitter. Criteria: ACMG Guidelines, 2015. Collection method: curation. Allele origin: germline. Inheritance: Autosomal recessive inheritance.
Comment: The p.Cys717Ter variant in ABCC8 has been reported in at least 1 individual, in the compound heterozygous state, with hyperinsulinemic hypoglycemia (PMID: 14692646, 14715863), and has been identified in 0.003% (1/34434) of Latino/Admixed American chromosomes by the Genome Aggregation Database (gnomAD; dbSNP ID: rs776027296). Although this variant has been seen in the general population in a heterozygous state, its frequency is low enough to be consistent with a recessive carrier frequency. This nonsense variant leads to a premature termination codon at position 717, which is predicted to lead to a truncated or absent protein. Loss of function of the ABCC8 gene is an established disease mechanism in autosomal recessive hyperinsulinemic hypoglycemia. In summary, this variant meets criteria to be classified as pathogenic for autosomal recessive hyperinsulinemic hypoglycemia. ACMG/AMP Criteria applied: PM2_supporting, PM3, PVS1 (Richards 2015).